The following is an entry in ClinVar:

ClinVar aggregate classification (germline): Uncertain significance. Review status: criteria provided, multiple submitters, no conflicts (2 of 4 stars). 3 submissions from 3 submitters: Uncertain significance (2). 1 of the submissions does not count toward it. Last evaluated 2025-07-15.

Conditions:
Colorectal cancer, hereditary nonpolyposis, type 7. Identifiers: Orphanet 144, MedGen C1858380, MONDO:0013725, OMIM 614385.

Allele frequency attached by ClinVar (database versions not stated): TOPMed below 0.00001; gnomAD 0.00001; gnomAD exomes 0.00002 and 0.00005; ExAC 0.00003.
gnomAD v4.1: 71 of 1,613,940 alleles (0.0044%); highest among the groups gnomAD compares: Non-Finnish European, 0.006%; no homozygotes.

Submissions (3):

Ambry Genetics
Classification: Uncertain significance. Last evaluated: 2025-07-15. Review status: criteria provided, single submitter. Criteria: Ambry Variant Classification Scheme 2023. Collection method: clinical testing. Allele origin: germline.

Labcorp Genetics (formerly Invitae), Labcorp
Classification: Uncertain significance for Colorectal cancer, hereditary nonpolyposis, type 7. Last evaluated: 2024-06-15. Review status: criteria provided, single submitter. Criteria: Invitae Variant Classification Sherloc (09022015). Collection method: clinical testing. Allele origin: germline.
Comment: This sequence change replaces leucine, which is neutral and non-polar, with valine, which is neutral and non-polar, at codon 782 of the MLH3 protein (p.Leu782Val). This variant is present in population databases (rs772267556, gnomAD 0.005%). This variant has not been reported in the literature in individuals affected with MLH3-related conditions. ClinVar contains an entry for this variant (Variation ID: 1000684). Algorithms developed to predict the effect of missense changes on protein structure and function output the following: SIFT: "Not Available"; PolyPhen-2: "Benign"; Align-GVGD: "Not Available". The valine amino acid residue is found in multiple mammalian species, which suggests that this missense change does not adversely affect protein function. In summary, the available evidence is currently insufficient to determine the role of this variant in disease. Therefore, it has been classified as a Variant of Uncertain Significance.

Department of Pathology and Laboratory Medicine, Sinai Health System
Classification: Uncertain significance. Review status: no assertion criteria provided. Collection method: clinical testing. Allele origin: unknown. Affected: yes. Study: The Canadian Open Genetics Repository (COGR). Not counted in ClinVar's aggregate classification.

NM_001040108.2(MLH3):c.2344C>G (p.Leu782Val)

Gene: MLH3 (mutL homolog 3; minus strand). Cytogenetic location: 14q24.3.
Variant type: single nucleotide variant.
Coding change: c.2344C>G on transcript NM_001040108.2 (MANE Select); coding-DNA position 2344, C replaced by G.
Protein change: p.Leu782Val; replaces leucine 782 with valine.
Molecular consequence: missense variant.
Genome position (GRCh38, 1-based): chr14:75,047,312, G>C on the plus strand (C>G on the coding strand, the complement: MLH3 is on the minus strand). VCF-style: chr14-75047312-G-C. GRCh37 (hg19) VCF-style: chr14-75514015-G-C.
Other names: c.2344C>G, p.Leu782Val (NM_014381.3); c.2344C>G (NM_001040108.1); short protein forms L782V.
Identifiers: ClinVar variation 1000684 (VCV001000684.10), dbSNP rs772267556, ClinGen allele CA7275717.
Genomic context (GRCh38, chr14:75,047,312, plus strand): 5'-CAGAGTTCTCTAAGCGGTTCTTGTCCTTCAGCAGAATGTCAGGTTCAACTTGAAGACTGA[G>C]ATTGGTAGTGACTCCATTACTTTCCTCTACTTCTGTATCCAGAGGATTTTCAACCTTCCC-3'
Protein context (NP_001035197.1, residues 772-792): VEESNGVTTN[Leu782Val]SLQVEPDILL